The following is an entry in ClinVar:

ClinVar aggregate classification (germline): Uncertain significance (1 of 4 stars; one submission).

Conditions:
RASopathy. Also called: rasopathies; Noonan spectrum disorder. Identifiers: Orphanet 536391, MedGen C5555857, MONDO:0021060.

Submission:

Labcorp Genetics (formerly Invitae), Labcorp
Classification: Uncertain significance for RASopathy. Last evaluated: 2024-12-23. Review status: criteria provided, single submitter. Criteria: Invitae Variant Classification Sherloc (09022015). Collection method: clinical testing. Allele origin: germline.
Comment: This sequence change falls in intron 20 of the SOS1 gene. It does not directly change the encoded amino acid sequence of the SOS1 protein. This variant is not present in population databases (gnomAD no frequency). This variant has not been reported in the literature in individuals affected with SOS1-related conditions. Algorithms developed to predict the effect of sequence changes on RNA splicing suggest that this variant may disrupt the consensus splice site. In summary, the available evidence is currently insufficient to determine the role of this variant in disease. Therefore, it has been classified as a Variant of Uncertain Significance.

NM_005633.4(SOS1):c.3347-13T>C

Gene: SOS1 (SOS Ras/Rac guanine nucleotide exchange factor 1; minus strand). Cytogenetic location: 2p22.1.
Variant type: single nucleotide variant.
Coding change: c.3347-13T>C on transcript NM_005633.4 (MANE Select); 13 bases into the intron before coding-DNA position 3347, T replaced by C.
Molecular consequence: intron variant.
Genome position (GRCh38, 1-based): chr2:38,989,327, A>G on the plus strand (T>C on the coding strand, the complement: SOS1 is on the minus strand). VCF-style: chr2-38989327-A-G. GRCh37 (hg19) VCF-style: chr2-39216468-A-G.
Other names: c.3326-13T>C (NM_001382394.1); c.3347-1736T>C (NM_001382395.1).
Identifiers: ClinVar variation 3727849 (VCV003727849.2).